The following is an entry in ClinVar:

NM_005732.4(RAD50):c.3148G>A (p.Val1050Ile)

Gene: RAD50 (RAD50 double strand break repair protein; plus strand). Cytogenetic location: 5q31.1.
Variant type: single nucleotide variant.
Coding change: c.3148G>A on transcript NM_005732.4 (MANE Select); coding-DNA position 3148, G replaced by A.
Protein change: p.Val1050Ile; replaces valine 1050 with isoleucine.
Molecular consequence: missense variant.
Genome position (GRCh38, 1-based): chr5:132,616,114, G>A. VCF-style: chr5-132616114-G-A. GRCh37 (hg19) VCF-style: chr5-131951806-G-A.
Other names: short protein forms V1050I.
Identifiers: ClinVar variation 527379 (VCV000527379.10), dbSNP rs1554099803, ClinGen allele CA360963896.

ClinVar aggregate classification (germline): Uncertain significance. Review status: criteria provided, multiple submitters, no conflicts (2 of 4 stars). 2 submissions from 2 submitters: Uncertain significance (2). Last evaluated 2025-07-28.

Conditions:
Hereditary cancer-predisposing syndrome. Also called: Neoplastic Syndromes, Hereditary; Tumor predisposition; Hereditary Cancer Syndrome; Hereditary neoplastic syndrome. Identifiers: Orphanet 140162, MedGen C0027672, MeSH D009386, MONDO:0015356.

Submissions (2):

Ambry Genetics
Classification: Uncertain significance for Hereditary cancer-predisposing syndrome. Last evaluated: 2025-07-28. Review status: criteria provided, single submitter. Criteria: Ambry Variant Classification Scheme 2023. Collection method: clinical testing. Allele origin: germline.
Comment: The p.V1050I variant (also known as c.3148G>A), located in coding exon 20 of the RAD50 gene, results from a G to A substitution at nucleotide position 3148. The valine at codon 1050 is replaced by isoleucine, an amino acid with highly similar properties. This amino acid position is conserved. In addition, this alteration is predicted to be tolerated by in silico analysis. Based on the available evidence, the clinical significance of this variant remains unclear.

Labcorp Genetics (formerly Invitae), Labcorp
Classification: Uncertain significance for Hereditary cancer-predisposing syndrome. Last evaluated: 2017-12-15. Review status: criteria provided, single submitter. Criteria: Invitae Variant Classification Sherloc (09022015). Collection method: clinical testing. Allele origin: germline.
Comment: In summary, the available evidence is currently insufficient to determine the role of this variant in disease. Therefore, it has been classified as a Variant of Uncertain Significance. Algorithms developed to predict the effect of missense changes on protein structure and function (SIFT, PolyPhen-2, Align-GVGD) all suggest that this variant is likely to be tolerated, but these predictions have not been confirmed by published functional studies and their clinical significance is uncertain. This variant has not been reported in the literature in individuals with RAD50-related disease. This variant is not present in population databases (ExAC no frequency). This sequence change replaces valine with isoleucine at codon 1050 of the RAD50 protein (p.Val1050Ile). The valine residue is moderately conserved and there is a small physicochemical difference between valine and isoleucine.